The following is an entry in ClinVar:

ClinVar aggregate classification (germline): Likely pathogenic (1 of 4 stars; one submission).

Conditions:
COL4A1-related disorder. Also called: COL4A1-related condition; COL4A1-related disorders. Identifiers: MedGen CN376119, MONDO:0800461.

Submission:

3billion
Classification: Likely pathogenic for COL4A1-related disorder. Last evaluated: 2025-06-03. Review status: criteria provided, single submitter. Criteria: ACMG Guidelines, 2015. Collection method: clinical testing. Allele origin: germline. Affected: yes.
Comment: The variant is not observed in the gnomAD v4.1.0 dataset. Predicted Consequence/Location: Missense variant In silico tool predictions suggest damaging effect of the variant on gene or gene product [REVEL: 0.87 (>=0.6, sensitivity 0.68 and specificity 0.92); 3Cnet: 0.99 (> 0.75, sensitivity 0.96 and precision 0.92)]. A different missense change at the same codon (p.Gly621Asp) has been reported to be associated with COL4A1-related disorder (ClinVar ID: VCV002440308). Therefore, this variant is classified as Likely pathogenic according to the recommendation of ACMG/AMP guideline.

NM_001845.6(COL4A1):c.1861G>A (p.Gly621Ser)

Gene: COL4A1 (collagen type IV alpha 1 chain; minus strand). Cytogenetic location: 13q34.
Variant type: single nucleotide variant.
Coding change: c.1861G>A on transcript NM_001845.6 (MANE Select); coding-DNA position 1861, G replaced by A.
Protein change: p.Gly621Ser; replaces glycine 621 with serine.
Molecular consequence: missense variant.
Genome position (GRCh38, 1-based): chr13:110,186,421, C>T on the plus strand (G>A on the coding strand, the complement: COL4A1 is on the minus strand). VCF-style: chr13-110186421-C-T. GRCh37 (hg19) VCF-style: chr13-110838768-C-T.
Other names: short protein forms G621S.
Identifiers: ClinVar variation 4854514 (VCV004854514.1).